The following is an entry in ClinVar:

ClinVar aggregate classification (germline): Uncertain significance (1 of 4 stars; one submission).

Conditions:
Hereditary cancer-predisposing syndrome. Also called: Hereditary neoplastic syndrome; Tumor predisposition; Hereditary Cancer Syndrome; Neoplastic Syndromes, Hereditary. Identifiers: Orphanet 140162, MedGen C0027672, MeSH D009386, MONDO:0015356.

Submission:

Ambry Genetics
Classification: Uncertain significance for Hereditary cancer-predisposing syndrome. Last evaluated: 2023-09-05. Review status: criteria provided, single submitter. Criteria: Ambry Variant Classification Scheme 2023. Collection method: clinical testing. Allele origin: germline.
Comment: The p.P266H variant (also known as c.797C>A), located in coding exon 7 of the MRE11A gene, results from a C to A substitution at nucleotide position 797. The proline at codon 266 is replaced by histidine, an amino acid with similar properties. This amino acid position is conserved. In addition, this alteration is predicted to be deleterious by in silico analysis. Since supporting evidence is limited at this time, the clinical significance of this alteration remains unclear.

NM_005591.4(MRE11):c.797C>A (p.Pro266His)

Gene: MRE11 (MRE11 double strand break repair nuclease; minus strand). Cytogenetic location: 11q21.
Variant type: single nucleotide variant.
Coding change: c.797C>A on transcript NM_005591.4 (MANE Select); coding-DNA position 797, C replaced by A.
Protein change: p.Pro266His; replaces proline 266 with histidine.
Molecular consequence: missense variant.
Genome position (GRCh38, 1-based): chr11:94,471,622, G>T on the plus strand (C>A on the coding strand, the complement: MRE11 is on the minus strand). VCF-style: chr11-94471622-G-T. GRCh37 (hg19) VCF-style: chr11-94204788-G-T.
Other names: c.797C>A, p.Pro266His (NM_001330347.2, NM_005590.4); short protein forms P266H.
Identifiers: ClinVar variation 2586217 (VCV002586217.2), dbSNP rs1555013076, ClinGen allele CA382375587.
Genomic context (GRCh38, chr11:94,471,622, plus strand): 5'-TATAACACTCACTTCTTTACAGCTTCTCCTGGGGAAAGAGAAGTAACCACTGAGCTTCCA[G>T]GTTGTGAGATATAAAACAGCTGTTGTTCATTTTTGGTTGGAGCTATTTTACACTCATGTT-3'
Protein context (NP_005582.1, residues 256-276): NEQQLFYISQ[Pro266His]GSSVVTSLSP